The following is an entry in ClinVar:

ClinVar aggregate classification (germline): Likely benign (1 of 4 stars; one submission).

gnomAD v4.1: 3 of 1,614,178 alleles (0.00019%); highest among the groups gnomAD compares: South Asian, 0.0022%; no homozygotes.

Submission:

CeGaT Center for Human Genetics Tuebingen
Classification: Likely benign. Last evaluated: 2025-10-01. Review status: criteria provided, single submitter. Criteria: CeGaT Center For Human Genetics Tuebingen Variant Classification Criteria Version 2. Collection method: clinical testing. Allele origin: germline. Affected: yes. Observed: 1 variant allele.
Comment: CDC42BPB: BP4

NM_006035.4(CDC42BPB):c.2157G>A (p.Val719=)

Gene: CDC42BPB (CDC42 binding protein kinase beta; minus strand). Cytogenetic location: 14q32.32.
Variant type: single nucleotide variant.
Coding change: c.2157G>A on transcript NM_006035.4 (MANE Select); coding-DNA position 2157, G replaced by A.
Protein change: p.Val719=; no amino-acid change (valine 719 retained).
Molecular consequence: synonymous variant.
Genome position (GRCh38, 1-based): chr14:102,968,555, C>T on the plus strand (G>A on the coding strand, the complement: CDC42BPB is on the minus strand). VCF-style: chr14-102968555-C-T. GRCh37 (hg19) VCF-style: chr14-103434892-C-T.
Other names: c.2157G>A, p.Val719= (NM_001411054.1).
Identifiers: ClinVar variation 4534984 (VCV004534984.6).